The following is an entry in ClinVar:

ClinVar aggregate classification (germline): Likely pathogenic (1 of 4 stars; one submission).

Conditions:
Foveal hypoplasia - optic nerve decussation defect - anterior segment dysgenesis syndrome. Also called: Foveal hypoplasia 2; FOVEAL HYPOPLASIA 2 WITH OR WITHOUT MICROPHTHALMIA OR COLOBOMA; FOVEAL HYPOPLASIA 2 WITH OPTIC NERVE DECUSSATION DEFECTS AND ANTERIOR SEGMENT DYSGENESIS WITHOUT ALBINISM; FOVEAL HYPOPLASIA 2 WITH OR WITHOUT OPTIC NERVE MISROUTING AND/OR ANTERIOR SEGMENT DYSGENESIS. Identifiers: Orphanet 397618, MedGen C3807873, MONDO:0012216, OMIM 609218.

Submission:

Juno Genomics, Hangzhou Juno Genomics, Inc
Classification: Likely pathogenic for Foveal hypoplasia - optic nerve decussation defect - anterior segment dysgenesis syndrome. Review status: criteria provided, single submitter. Criteria: ACMG Guidelines, 2015. Collection method: clinical testing. Allele origin: germline.
Comment: Null variant in a gene where loss of function (LOF) is a known mechanism of disease.;Absent from controls (or at extremely low frequency if recessive) in Genome Aggregation Database.

NM_001080442.3(SLC38A8):c.609del (p.Arg204fs)

Gene: SLC38A8 (solute carrier family 38 member 8; minus strand). Cytogenetic location: 16q23.3.
Variant type: Deletion.
Coding change: c.609del on transcript NM_001080442.3 (MANE Select); coding-DNA position 609, one base deleted (G; older notation c.609delG).
Protein change: p.Arg204fs; shifts the reading frame from arginine 204.
Molecular consequence: frameshift variant.
Genome position (GRCh38, 1-based): chr16:84,031,890, C deleted on the plus strand (G on the coding strand, the reverse complement: SLC38A8 is on the minus strand). VCF-style (leftmost placement, unchanged base first): chr16-84031889-GC-G. GRCh37 (hg19) VCF-style: chr16-84065494-GC-G.
Other names: short protein forms R204fs.
Identifiers: ClinVar variation 5005648 (VCV005005648.2).